The following is an entry in ClinVar:

NM_000179.3(MSH6):c.3623C>A (p.Ser1208Tyr)

Gene: MSH6 (mutS homolog 6; plus strand). Cytogenetic location: 2p16.3.
Variant type: single nucleotide variant.
Coding change: c.3623C>A on transcript NM_000179.3 (MANE Select); coding-DNA position 3623, C replaced by A.
Protein change: p.Ser1208Tyr; replaces serine 1208 with tyrosine.
Molecular consequence: missense variant.
Genome position (GRCh38, 1-based): chr2:47,805,684, C>A. VCF-style: chr2-47805684-C-A. GRCh37 (hg19) VCF-style: chr2-48032823-C-A.
Other names: c.3233C>A, p.Ser1078Tyr (NM_001281492.2); c.2717C>A, p.Ser906Tyr (NM_001281493.2, NM_001281494.2); short protein forms S1078Y, S1208Y, S906Y.
Identifiers: ClinVar variation 1372729 (VCV001372729.13), dbSNP rs1572742021, ClinGen allele CA346760593.

ClinVar aggregate classification (germline): Uncertain significance. Review status: criteria provided, multiple submitters, no conflicts (2 of 4 stars). 4 submissions from 4 submitters: Uncertain significance (4). Last evaluated 2024-03-06.

Conditions:
Hereditary nonpolyposis colorectal neoplasms. Identifiers: MedGen C0009405, MeSH D003123.
Hereditary cancer-predisposing syndrome. Also called: Neoplastic Syndromes, Hereditary; Tumor predisposition; Hereditary neoplastic syndrome; Hereditary Cancer Syndrome. Identifiers: Orphanet 140162, MedGen C0027672, MeSH D009386, MONDO:0015356.

Submissions (4):

Color Diagnostics, LLC DBA Color Health
Classification: Uncertain significance for Hereditary cancer-predisposing syndrome. Last evaluated: 2024-03-06. Review status: criteria provided, single submitter. Criteria: ACMG Guidelines, 2015. Collection method: clinical testing. Allele origin: germline.
Comment: This missense variant replaces serine with tyrosine at codon 1208 of the MSH6 protein. Computational prediction suggests that this variant may have deleterious impact on protein structure and function (internally defined REVEL score threshold >= 0.7, PMID: 27666373). To our knowledge, functional studies have not been reported for this variant. This variant has not been reported in individuals affected with MSH6-related disorders in the literature. This variant has not been identified in the general population by the Genome Aggregation Database (gnomAD). The available evidence is insufficient to determine the role of this variant in disease conclusively. Therefore, this variant is classified as a Variant of Uncertain Significance.

Quest Diagnostics Nichols Institute San Juan Capistrano
Classification: Uncertain significance. Last evaluated: 2024-02-02. Review status: criteria provided, single submitter. Criteria: Quest Diagnostics criteria. Collection method: clinical testing. Allele origin: unknown.
Comment: The MSH6 c.3623C>A (p.Ser1208Tyr) variant has not been reported in individuals with MSH6-related conditions in the published literature. It also has not been reported in large, multi-ethnic general populations (Genome Aggregation Database). Analysis of this variant using bioinformatics tools for the prediction of the effect of amino acid changes on protein structure and function yielded predictions that this variant is damaging. Based on the available information, we are unable to determine the clinical significance of this variant.

Labcorp Genetics (formerly Invitae), Labcorp
Classification: Uncertain significance for Hereditary nonpolyposis colorectal neoplasms. Last evaluated: 2023-10-30. Review status: criteria provided, single submitter. Criteria: Invitae Variant Classification Sherloc (09022015). Collection method: clinical testing. Allele origin: germline.
Comment: This sequence change replaces serine, which is neutral and polar, with tyrosine, which is neutral and polar, at codon 1208 of the MSH6 protein (p.Ser1208Tyr). This variant is not present in population databases (gnomAD no frequency). This variant has not been reported in the literature in individuals affected with MSH6-related conditions. ClinVar contains an entry for this variant (Variation ID: 1372729). Advanced modeling of protein sequence and biophysical properties (such as structural, functional, and spatial information, amino acid conservation, physicochemical variation, residue mobility, and thermodynamic stability) performed at Invitae indicates that this missense variant is expected to disrupt MSH6 protein function with a positive predictive value of 95%. In summary, the available evidence is currently insufficient to determine the role of this variant in disease. Therefore, it has been classified as a Variant of Uncertain Significance.

Ambry Genetics
Classification: Uncertain significance for Hereditary cancer-predisposing syndrome. Last evaluated: 2022-09-01. Review status: criteria provided, single submitter. Criteria: Ambry Variant Classification Scheme 2023. Collection method: clinical testing. Allele origin: germline.
Comment: The p.S1208Y variant (also known as c.3623C>A), located in coding exon 7 of the MSH6 gene, results from a C to A substitution at nucleotide position 3623. The serine at codon 1208 is replaced by tyrosine, an amino acid with dissimilar properties. This amino acid position is highly conserved in available vertebrate species. In addition, this alteration is predicted to be deleterious by in silico analysis. Since supporting evidence is limited at this time, the clinical significance of this alteration remains unclear.